The following is an entry in ClinVar:

ClinVar aggregate classification (germline): Likely benign (0 of 4 stars; one submission).

Conditions:
VPS33B-related disorder. Also called: VPS33B-related condition.

Submission:

PreventionGenetics, part of Exact Sciences
Classification: Likely benign for VPS33B-related condition. Last evaluated: 2024-05-29. Review status: no assertion criteria provided. Collection method: clinical testing. Allele origin: germline.
Comment: This variant is classified as likely benign based on ACMG/AMP sequence variant interpretation guidelines (Richards et al. 2015 PMID: 25741868, with internal and published modifications).

NM_018668.5(VPS33B):c.1480-4dup

Gene: VPS33B (VPS33B late endosome and lysosome associated; minus strand). Cytogenetic location: 15q26.1.
Variant type: Duplication.
Coding change: c.1480-4dup on transcript NM_018668.5 (MANE Select); 4 bases into the intron before coding-DNA position 1480, one base duplicated (A; older notation c.1480-4dupA).
Molecular consequence: intron variant.
Genome position (GRCh38, 1-based): chr15:91,000,595, T duplicated on the plus strand (A on the coding strand, the reverse complement: VPS33B is on the minus strand). VCF-style (leftmost placement, unchanged base first): chr15-91000594-G-GT. GRCh37 (hg19) VCF-style: chr15-91543824-G-GT.
Other names: c.1399-4dup (NM_001289148.1); c.1207-4dup (NM_001289149.1).
Identifiers: ClinVar variation 3356320 (VCV003356320.1).